The following is an entry in ClinVar:

NM_001267550.2(TTN):c.91134A>C (p.Pro30378=)

Genes: TTN (titin; minus strand), TTN-AS1 (TTN antisense RNA 1; plus strand). Cytogenetic location: 2q31.2.
Variant type: single nucleotide variant.
Coding change: c.91134A>C on transcript NM_001267550.2 (MANE Select); coding-DNA position 91134, A replaced by C.
Protein change: p.Pro30378=; no amino-acid change (proline 30378 retained).
Molecular consequence: synonymous variant.
Genome position (GRCh38, 1-based): chr2:178,551,766, T>G on the plus strand (A>C on the coding strand, the complement: TTN is on the minus strand). VCF-style: chr2-178551766-T-G. GRCh37 (hg19) VCF-style: chr2-179416493-T-G.
Other names: c.86211A>C, p.Pro28737= (NM_001256850.1); c.63939A>C, p.Pro21313= (NM_003319.4); c.83430A>C, p.Pro27810= (NM_133378.4); c.64314A>C, p.Pro21438= (NM_133432.3); c.64515A>C, p.Pro21505= (NM_133437.4).
Identifiers: ClinVar variation 4534392 (VCV004534392.6).

ClinVar aggregate classification (germline): Likely benign (1 of 4 stars; one submission).

Submission:

CeGaT Center for Human Genetics Tuebingen
Classification: Likely benign. Last evaluated: 2025-10-01. Review status: criteria provided, single submitter. Criteria: CeGaT Center For Human Genetics Tuebingen Variant Classification Criteria Version 2. Collection method: clinical testing. Allele origin: germline. Affected: yes. Observed: 1 variant allele.
Comment: TTN: PM2:Supporting, BP4, BP7